The following is an entry in ClinVar:

ClinVar aggregate classification (germline): Benign/Likely benign. Review status: criteria provided, multiple submitters, no conflicts (2 of 4 stars). 5 submissions from 5 submitters: Benign (3); Likely benign (2). Last evaluated 2026-09-01.

Allele frequency attached by ClinVar (database versions not stated): ESP Exome Variant Server 0.00031; gnomAD 0.00136 and 0.00139; TOPMed 0.00154; 1000 Genomes Project 30x 0.00156; 1000 Genomes Project 0.00160; ExAC 0.00166; gnomAD exomes 0.00243.
gnomAD v4.1: 1,100 of 1,613,586 alleles (0.068%); highest among the groups gnomAD compares: Admixed American, 1.1%; 9 homozygotes.

Submissions (5):

CeGaT Center for Human Genetics Tuebingen
Classification: Likely benign. Last evaluated: 2026-09-01. Review status: criteria provided, single submitter. Criteria: CeGaT Center For Human Genetics Tuebingen Variant Classification Criteria Version 2. Collection method: clinical testing. Allele origin: germline. Affected: yes. Observed: 12 variant alleles.
Comment: CTDP1: BP4, BP7, BS1

Labcorp Genetics (formerly Invitae), Labcorp
Classification: Benign. Last evaluated: 2026-02-03. Review status: criteria provided, single submitter. Criteria: Invitae Variant Classification Sherloc (09022015). Collection method: clinical testing. Allele origin: germline.

Mayo Clinic Laboratories, Mayo Clinic
Classification: Likely benign. Last evaluated: 2025-10-21. Review status: criteria provided, single submitter. Criteria: ACMG Guidelines, 2015. Collection method: clinical testing. Allele origin: germline. Observed: 1 variant allele.
Comment: BS2, BP4, BP7

GeneDx
Classification: Benign. Last evaluated: 2020-06-30. Review status: criteria provided, single submitter. Criteria: GeneDx Variant Classification Process June 2021. Collection method: clinical testing. Allele origin: germline. Affected: yes.

Breakthrough Genomics
Classification: Benign. Review status: criteria provided, single submitter. Criteria: ACMG Guidelines, 2015. Collection method: not provided. Allele origin: germline. Inheritance: Autosomal recessive inheritance. Affected: yes.

NM_004715.5(CTDP1):c.786C>T (p.Pro262=)

Gene: CTDP1 (CTD phosphatase 1; plus strand). Cytogenetic location: 18q23.
Variant type: single nucleotide variant.
Coding change: c.786C>T on transcript NM_004715.5 (MANE Select); coding-DNA position 786, C replaced by T.
Protein change: p.Pro262=; no amino-acid change (proline 262 retained).
Molecular consequence: synonymous variant.
Genome position (GRCh38, 1-based): chr18:79,710,359, C>T. VCF-style: chr18-79710359-C-T. GRCh37 (hg19) VCF-style: chr18-77470359-C-T.
Other names: p.Pro262=; c.429C>T, p.Pro143= (NM_001202504.1); c.786C>T, p.Pro262= (NM_001318511.2, NM_048368.4).
Identifiers: ClinVar variation 730963 (VCV000730963.37), dbSNP rs140645111, ClinGen allele CA9010116.
Genomic context (GRCh38, chr18:79,710,359, plus strand): 5'-GAAACGTGTCTCAGGTATGTAATCTTTGTCCTGTTTTCTTTTCCAAGGCTTTTTAGACCC[C>T]GAGAAGAAGCTTTTTTCTCACCGAATATTATCAAGGGATGAATGTATTGACCCATTTTCT-3'
Protein context (NP_004706.3, residues 252-272): YAHTIAGFLD[Pro262=]EKKLFSHRIL